The following is an entry in ClinVar:

NM_000138.5(FBN1):c.7498T>A (p.Cys2500Ser)

Gene: FBN1 (fibrillin 1; minus strand). Cytogenetic location: 15q21.1.
Variant type: single nucleotide variant.
Coding change: c.7498T>A on transcript NM_000138.5 (MANE Select); coding-DNA position 7498, T replaced by A.
Protein change: p.Cys2500Ser; replaces cysteine 2500 with serine.
Molecular consequence: missense variant.
Genome position (GRCh38, 1-based): chr15:48,422,024, A>T on the plus strand (T>A on the coding strand, the complement: FBN1 is on the minus strand). VCF-style: chr15-48422024-A-T. GRCh37 (hg19) VCF-style: chr15-48714221-A-T.
Other names: short protein forms C2500S.
Identifiers: ClinVar variation 504529 (VCV000504529.5), dbSNP rs363810, ClinGen allele CA269519926.

ClinVar aggregate classification (germline): Likely pathogenic. Review status: criteria provided, multiple submitters, no conflicts (2 of 4 stars). 2 submissions from 2 submitters: Likely pathogenic (2). Last evaluated 2021-07-07.

Conditions:
MASS syndrome (OCTD). Also called: OVERLAP CONNECTIVE TISSUE DISEASE; MASS PHENOTYPE. Identifiers: MedGen C1858556, MONDO:0011431, OMIM 604308.
Progeroid and marfanoid aspect-lipodystrophy syndrome. Also called: MARFANOID-PROGEROID SYNDROME; MARFAN-PROGEROID-LIPODYSTROPHY SYNDROME; Marfan lipodystrophy syndrome; MARFANOID-PROGEROID-LIPODYSTROPHY SYNDROME. Identifiers: Orphanet 300382, MedGen C4310796, MONDO:0014831, OMIM 616914.
Ectopia lentis 1, isolated, autosomal dominant (ECTOL1). Identifiers: Orphanet 1885, MedGen C3541518, MONDO:0007514, OMIM 129600.
Weill-Marchesani syndrome 2, dominant. Also called: Weill-Marchesani Syndrome, Autosomal Dominant; FBN1-Related Weill-Marchesani Syndrome. Identifiers: Orphanet 2084, MedGen C1869115, MONDO:0012013, OMIM 608328.
Acromicric dysplasia (ACMICD). Also called: Acromicric skeletal dysplasia. Identifiers: Orphanet 969, MedGen C0265287, MONDO:0007055, OMIM 102370.
Geleophysic dysplasia 2 (GPHYSD2). Identifiers: Orphanet 2623, MedGen C3280054, MONDO:0013612, OMIM 614185.
Stiff skin syndrome (SSKS). Identifiers: Orphanet 2833, MedGen C1861456, MONDO:0008492, OMIM 184900.
Marfan syndrome (MFS). Also called: Marfan syndrome type 1; Marfan syndrome, classic; Marfan's syndrome; FBN1-Related Marfan Syndrome; MARFAN SYNDROME, TYPE I. Identifiers: Orphanet 284963, Orphanet 558, MedGen C0024796, MONDO:0007947, OMIM 154700.

Submissions (2):

Fulgent Genetics
Classification: Likely pathogenic for Acromicric dysplasia; Ectopia lentis 1, isolated, autosomal dominant; Marfan syndrome; Stiff skin syndrome; MASS syndrome; Weill-Marchesani syndrome 2, dominant; Geleophysic dysplasia 2; Progeroid and marfanoid aspect-lipodystrophy syndrome. Last evaluated: 2021-07-07. Review status: criteria provided, single submitter. Criteria: ACMG Guidelines, 2015. Collection method: clinical testing. Allele origin: unknown.

Laboratory for Molecular Medicine, Mass General Brigham Personalized Medicine
Classification: Likely pathogenic for Marfan syndrome. Last evaluated: 2016-06-22. Review status: criteria provided, single submitter. Criteria: LMM Criteria. Collection method: clinical testing. Allele origin: germline. Observed: 1 variant allele.
Comment: The p.Cys2500Ser variant in FBN1 has been reported in one individual with clinic al features of Marfan syndrome (Ng 2002) and was absent from large population st udies. Computational prediction tools and conservation analysis suggest that thi s variant may impact the protein, though this information is not predictive enou gh to determine pathogenicity. Furthermore, this variant affects a conserved cys teine residue in the EGF-like domain, which is a common finding in individuals w ith Marfan syndrome (Schrijver 1999). In summary, although additional studies ar e required to fully establish its clinical significance, the p.Cys2500Ser varian t is likely pathogenic.

Literature cited by the submitters: PubMed 10486319 (cited by Laboratory for Molecular Medicine, Mass General Brigham Personalized Medicine); PubMed 16222657 (cited by Laboratory for Molecular Medicine, Mass General Brigham Personalized Medicine); PubMed 11875032 (cited by Laboratory for Molecular Medicine, Mass General Brigham Personalized Medicine).